The following is an entry in ClinVar:

NM_000487.6(ARSA):c.868C>G (p.Arg290Gly)

Gene: ARSA (arylsulfatase A; minus strand). Cytogenetic location: 22q13.33.
Variant type: single nucleotide variant.
Coding change: c.868C>G on transcript NM_000487.6 (MANE Select); coding-DNA position 868, C replaced by G.
Protein change: p.Arg290Gly; replaces arginine 290 with glycine.
Molecular consequence: missense variant.
Genome position (GRCh38, 1-based): chr22:50,626,265, G>C on the plus strand (C>G on the coding strand, the complement: ARSA is on the minus strand). VCF-style: chr22-50626265-G-C. GRCh37 (hg19) VCF-style: chr22-51064693-G-C.
Other names: c.868C>G, p.Arg290Gly (NM_001085425.3, NM_001085426.3, NM_001085427.3); c.610C>G, p.Arg204Gly (NM_001085428.3, NM_001362782.2); short protein forms R204G, R290G.
Identifiers: ClinVar variation 2770944 (VCV002770944.3), dbSNP rs74315473, ClinGen allele CA412175055.
Genomic context (GRCh38, chr22:50,626,265, plus strand): 5'-CCTCGTAGGTCGTTCCCTTTCCACACCGCAAGAGACCGGAGCAGCCGCCTCGGGACATAC[G>C]CATGGTCTCAGGTCTGGGACACAGGAGGCGCTCATGAGCCATGGAGCCACAGCCTCTGAG-3'
Protein context (NP_000478.3, residues 280-300): FTADNGPETM[Arg290Gly]MSRGGCSGLL

ClinVar aggregate classification (germline): Likely pathogenic (1 of 4 stars; one submission).

Conditions:
Metachromatic leukodystrophy (MLD). Also called: CEREBROSIDE SULFATASE DEFICIENCY; ARSA DEFICIENCY; METACHROMATIC LEUKOENCEPHALOPATHY; SULFATIDE LIPIDOSIS; Cerebral sclerosis diffuse metachromatic form; Arylsulfatase A Deficiency. Identifiers: Orphanet 512, MedGen C0023522, MONDO:0018868, OMIM 250100.

Submission:

Labcorp Genetics (formerly Invitae), Labcorp
Classification: Likely pathogenic for Metachromatic leukodystrophy. Last evaluated: 2023-10-22. Review status: criteria provided, single submitter. Criteria: Invitae Variant Classification Sherloc (09022015). Collection method: clinical testing. Allele origin: germline.
Comment: This sequence change replaces arginine, which is basic and polar, with glycine, which is neutral and non-polar, at codon 290 of the ARSA protein (p.Arg290Gly). This variant is not present in population databases (gnomAD no frequency). This variant has not been reported in the literature in individuals affected with ARSA-related conditions. Advanced modeling of protein sequence and biophysical properties (such as structural, functional, and spatial information, amino acid conservation, physicochemical variation, residue mobility, and thermodynamic stability) performed at Invitae indicates that this missense variant is expected to disrupt ARSA protein function. This variant disrupts the p.Arg290 amino acid residue in ARSA. Other variant(s) that disrupt this residue have been determined to be pathogenic (PMID: 10477432, 12809637, 15139291, 26462614). This suggests that this residue is clinically significant, and that variants that disrupt this residue are likely to be disease-causing. In summary, the currently available evidence indicates that the variant is pathogenic, but additional data are needed to prove that conclusively. Therefore, this variant has been classified as Likely Pathogenic.

Literature cited by the submitters: PubMed 10477432; PubMed 12809637; PubMed 15139291; PubMed 26462614.